The following is an entry in ClinVar:

NM_000132.4(F8):c.5724del (p.Trp1908fs)

Gene: F8 (coagulation factor VIII; minus strand). Cytogenetic location: Xq28.
Variant type: Deletion.
Coding change: c.5724del on transcript NM_000132.4 (MANE Select); coding-DNA position 5724, one base deleted (G; older notation c.5724delG).
Protein change: p.Trp1908fs; shifts the reading frame from tryptophan 1908.
Molecular consequence: frameshift variant.
Genome position (GRCh38, 1-based): chrX:154,904,387, C deleted on the plus strand (G on the coding strand, the reverse complement: F8 is on the minus strand); the first of 2 consecutive C bases (chrX:154,904,387-154,904,388); deleting either gives the same sequence. VCF-style (leftmost placement, unchanged base first): chrX-154904386-AC-A. GRCh37 (hg19) VCF-style: chrX-154132661-AC-A.
Other names: short protein forms W1908fs.
Identifiers: ClinVar variation 973807 (VCV000973807.2), dbSNP rs2073026512, ClinGen allele CA1139667899.
Genomic context (GRCh38, chrX:154,904,386, plus strand): 5'-GATCTTCCATCTGGATATTGCAGGGAGCCCTGCAGTTTCTTTCCATATTTTCAGTGAAGT[AC>A]CAGCTTTTGGTCTCATCAAAGATGGTGAAAAACAGAGCAAATTCCTGTACTGTCACTTGT-3'

ClinVar aggregate classification (germline): Likely pathogenic (0 of 4 stars; one submission).

Conditions:
Hereditary factor VIII deficiency disease (HEMA). Also called: AUTOSOMAL HEMOPHILIA A; Hemophilia A, congenital; HEM A; Factor 8 deficiency, congenital; HEMOPHILIA, CLASSIC; Hemophilia A. Identifiers: Orphanet 98878, MedGen C0019069, MONDO:0010602, OMIM 306700.

Submission:

Angelo Bianchi Bonomi Hemophilia and Thrombosis Center, Fondazione IRCCS Ca Granda Ospedale Maggiore Policlinico
Classification: Likely pathogenic for Hereditary factor VIII deficiency disease. Last evaluated: 2019-06-01. Review status: no assertion criteria provided. Collection method: clinical testing. Allele origin: germline. Affected: yes. Observed: 1 variant allele.
Comment: analyzed by CADD